The following is an entry in ClinVar:

ClinVar aggregate classification (germline): Likely benign. Review status: criteria provided, multiple submitters, no conflicts (2 of 4 stars). 3 submissions from 3 submitters: Likely benign (3). Last evaluated 2026-08-26.

Conditions:
CSF2RB-related disorder. Also called: CSF2RB-related condition.

Allele frequency attached by ClinVar (database versions not stated): ExAC 0.00027; 1000 Genomes Project 30x 0.00062; 1000 Genomes Project 0.00080.
gnomAD v4.1: 127 of 1,614,056 alleles (0.0079%); highest among the groups gnomAD compares: South Asian, 0.12%; no homozygotes.

Submissions (3):

PreventionGenetics, part of Exact Sciences
Classification: Likely benign for CSF2RB-related condition. Last evaluated: 2026-08-26. Review status: criteria provided, single submitter. Criteria: ACMG Guidelines, 2015. Collection method: clinical testing. Allele origin: germline.
Comment: This variant is classified as likely benign based on ACMG/AMP sequence variant interpretation guidelines (Richards et al. 2015 PMID: 25741868, with internal and published modifications).

Labcorp Genetics (formerly Invitae), Labcorp
Classification: Likely benign. Last evaluated: 2026-01-04. Review status: criteria provided, single submitter. Criteria: Invitae Variant Classification Sherloc (09022015). Collection method: clinical testing. Allele origin: germline.

Blueprint Genetics
Classification: Likely benign. Last evaluated: 2024-09-12. Review status: criteria provided, single submitter. Criteria: ACMG Guidelines, 2015. Collection method: clinical testing. Allele origin: germline.

NM_000395.3(CSF2RB):c.2319G>A (p.Glu773=)

Gene: CSF2RB (colony stimulating factor 2 receptor subunit beta; plus strand). Cytogenetic location: 22q12.3.
Variant type: single nucleotide variant.
Coding change: c.2319G>A on transcript NM_000395.3 (MANE Select); coding-DNA position 2319, G replaced by A.
Protein change: p.Glu773=; no amino-acid change (glutamic acid 773 retained).
Molecular consequence: synonymous variant.
Genome position (GRCh38, 1-based): chr22:36,938,127, G>A. VCF-style: chr22-36938127-G-A. GRCh37 (hg19) VCF-style: chr22-37334169-G-A.
Other names: c.2319G>A (NM_000395.2).
Identifiers: ClinVar variation 1556443 (VCV001556443.10), dbSNP rs539820176, ClinGen allele CA10214087.
Genomic context (GRCh38, chr22:36,938,127, plus strand): 5'-TGGAGCCCCAGGCCCTGTGAAGTCAGGGTTTGAGGGCTATGTGGAGCTCCCTCCAATTGA[G>A]GGCCGGTCCCCCAGGTCACCAAGGAACAATCCTGTCCCCCCTGAGGCCAAAAGCCCTGTC-3'
Protein context (NP_000386.1, residues 763-783): FEGYVELPPI[Glu773=]GRSPRSPRNN